The following is an entry in ClinVar:

NM_000136.3(FANCC):c.738C>T (p.His246=)

Genes: AOPEP (aminopeptidase O (putative); plus strand), FANCC (FA complementation group C; minus strand). Cytogenetic location: 9q22.32.
Variant type: single nucleotide variant.
Coding change: c.738C>T on transcript NM_000136.3 (MANE Select); coding-DNA position 738, C replaced by T.
Protein change: p.His246=; no amino-acid change (histidine 246 retained).
Molecular consequence: synonymous variant.
Genome position (GRCh38, 1-based): chr9:95,135,451, G>A on the plus strand (C>T on the coding strand, the complement: FANCC is on the minus strand). VCF-style: chr9-95135451-G-A. GRCh37 (hg19) VCF-style: chr9-97897733-G-A.
Other names: c.738C>T, p.His246= (NM_001243743.2, NM_001243744.2).
Identifiers: ClinVar variation 514423 (VCV000514423.16), dbSNP rs1414558793, ClinGen allele CA466101072.

ClinVar aggregate classification (germline): Likely benign. Review status: criteria provided, multiple submitters, no conflicts (2 of 4 stars). 4 submissions from 4 submitters: Likely benign (3). 1 of the submissions does not count toward it. Last evaluated 2023-10-04.

Conditions:
Fanconi anemia (FA). Also called: Fanconi's anemia. Identifiers: Orphanet 84, MedGen C0015625, MeSH D005199, MONDO:0019391.
Hereditary cancer-predisposing syndrome. Also called: Hereditary Cancer Syndrome; Neoplastic Syndromes, Hereditary; Tumor predisposition; Hereditary neoplastic syndrome. Identifiers: Orphanet 140162, MedGen C0027672, MeSH D009386, MONDO:0015356.

Allele frequency attached by ClinVar (database versions not stated): gnomAD exomes below 0.00001.
gnomAD v4.1: 1 of 1,614,040 alleles (0.000062%); highest among the groups gnomAD compares: African/African-American, 0.0013%; no homozygotes.

Submissions (4):

Labcorp Genetics (formerly Invitae), Labcorp
Classification: Likely benign for Fanconi anemia. Last evaluated: 2023-10-04. Review status: criteria provided, single submitter. Criteria: Invitae Variant Classification Sherloc (09022015). Collection method: clinical testing. Allele origin: germline.

Ambry Genetics
Classification: Likely benign for Hereditary cancer-predisposing syndrome. Last evaluated: 2021-02-01. Review status: criteria provided, single submitter. Criteria: Ambry Variant Classification Scheme 2023. Collection method: clinical testing. Allele origin: germline.

GeneDx
Classification: Likely benign. Last evaluated: 2017-12-22. Review status: criteria provided, single submitter. Criteria: GeneDx Variant Classification (06012015). Collection method: clinical testing. Allele origin: germline. Affected: yes.
Comment: This variant is considered likely benign or benign based on one or more of the following criteria: it is a conservative change, it occurs at a poorly conserved position in the protein, it is predicted to be benign by multiple in silico algorithms, and/or has population frequency not consistent with disease.

Natera, Inc.
Classification: Likely benign for Fanconi anemia. Last evaluated: 2018-11-26. Review status: no assertion criteria provided. Collection method: clinical testing. Allele origin: germline. Not counted in ClinVar's aggregate classification.